The following is an entry in ClinVar:

NM_001625.4(AK2):c.532G>A (p.Asp178Asn)

Gene: AK2 (adenylate kinase 2; minus strand). Cytogenetic location: 1p35.1.
Variant type: single nucleotide variant.
Coding change: c.532G>A on transcript NM_001625.4 (MANE Select); coding-DNA position 532, G replaced by A.
Protein change: p.Asp178Asn; replaces aspartic acid 178 with asparagine.
Molecular consequence: missense variant. On other transcripts: 3 prime UTR variant (1), non-coding transcript variant (1).
Genome position (GRCh38, 1-based): chr1:33,013,369, C>T on the plus strand (G>A on the coding strand, the complement: AK2 is on the minus strand). VCF-style: chr1-33013369-C-T. GRCh37 (hg19) VCF-style: chr1-33478970-C-T.
Other names: c.508G>A, p.Asp170Asn (NM_001199199.3); c.388G>A, p.Asp130Asn (NM_001319139.3, NM_001319140.2); c.532G>A, p.Asp178Asn (NM_001319141.3, NM_013411.5); c.406G>A, p.Asp136Asn (NM_001319142.3); c.*35G>A (NM_001319143.2); short protein forms D178N, D136N, D130N, D170N.
Identifiers: ClinVar variation 450394 (VCV000450394.9), dbSNP rs1000645415, ClinGen allele CA20307279.
Genomic context (GRCh38, chr1:33,013,369, plus strand): 5'-TGAGTGGGGTGGTTTGAGTGTGGTAGGCTTGCAGGCGGATTTTCAAGGCCTTTTCATTAT[C>T]ATCTGATCGACGGATCAAGGGTTCCCCGGTGATCTGAGAACAGGAAGACAGCAATGAAAG-3'
Protein context (NP_001616.1, residues 168-188): TGEPLIRRSD[Asp178Asn]NEKALKIRLQ

ClinVar aggregate classification (germline): Uncertain significance. Review status: criteria provided, multiple submitters, no conflicts (2 of 4 stars). 2 submissions from 2 submitters: Uncertain significance (2). Last evaluated 2020-10-05.

Conditions:
Reticular dysgenesis. Also called: ALEUKOCYTOSIS; CONGENITAL ALEUKIA; HEMATOPOIETIC HYPOPLASIA, GENERALIZED; RETICULAR DYSGENESIA; SEVERE COMBINED IMMUNODEFICIENCY WITH LEUKOPENIA; DeVaal disease. Identifiers: Orphanet 33355, MedGen C0272167, MONDO:0009973, OMIM 267500.

Allele frequency attached by ClinVar (database versions not stated): gnomAD exomes 0.00001 and 0.00002.
gnomAD v4.1: 29 of 1,614,198 alleles (0.0018%); highest among the groups gnomAD compares: Non-Finnish European, 0.0025%; no homozygotes.

Submissions (2):

Labcorp Genetics (formerly Invitae), Labcorp
Classification: Uncertain significance for Reticular dysgenesis. Last evaluated: 2020-10-05. Review status: criteria provided, single submitter. Criteria: Invitae Variant Classification Sherloc (09022015). Collection method: clinical testing. Allele origin: germline.
Comment: In summary, the available evidence is currently insufficient to determine the role of this variant in disease. Therefore, it has been classified as a Variant of Uncertain Significance. This sequence change replaces aspartic acid with asparagine at codon 178 of the AK2 protein (p.Asp178Asn). The aspartic acid residue is highly conserved and there is a small physicochemical difference between aspartic acid and asparagine. This variant is not present in population databases (ExAC no frequency). This variant has not been reported in the literature in individuals with AK2-related conditions. ClinVar contains an entry for this variant (Variation ID: 450394). Algorithms developed to predict the effect of missense changes on protein structure and function are either unavailable or do not agree on the potential impact of this missense change (SIFT: "Deleterious"; PolyPhen-2: "Probably Damaging"; Align-GVGD: "Class C0").

GeneDx
Classification: Uncertain significance. Last evaluated: 2017-07-19. Review status: criteria provided, single submitter. Criteria: GeneDx Variant Classification (06012015). Collection method: clinical testing. Allele origin: germline. Affected: yes.
Comment: The D178N variant in the AK2 gene has not been reported previously as a pathogenic variant, nor as a benign variant, to our knowledge. The D178N variant is not observed in large population cohorts (Lek et al., 2016; 1000 Genomes Consortium et al., 2015; Exome Variant Server). The D178N variant is a semi-conservative amino acid substitution, which may impact secondary protein structure as these residues differ in some properties. This substitution occurs at a position that is conserved across species. In silico analysis predicts this variant is probably damaging to the protein structure/function. We interpret D178N as a variant of uncertain significance.